The following is an entry in ClinVar:

NM_001046.3(SLC12A2):c.1127A>G (p.Asn376Ser)

Gene: SLC12A2 (solute carrier family 12 member 2; plus strand). Cytogenetic location: 5q23.3.
Variant type: single nucleotide variant.
Coding change: c.1127A>G on transcript NM_001046.3 (MANE Select); coding-DNA position 1127, A replaced by G.
Protein change: p.Asn376Ser; replaces asparagine 376 with serine.
Molecular consequence: missense variant. On other transcripts: non-coding transcript variant (1).
Genome position (GRCh38, 1-based): chr5:128,131,145, A>G. VCF-style: chr5-128131145-A-G. GRCh37 (hg19) VCF-style: chr5-127466837-A-G.
Other names: c.1127A>G, p.Asn376Ser (NM_001256461.2); short protein forms N376S.
Identifiers: ClinVar variation 1476334 (VCV001476334.7), dbSNP rs116621105, ClinGen allele CA3393017.
Genomic context (GRCh38, chr5:128,131,145, plus strand): 5'-TATCTAGAAGTCTAGGGCCAGAATTTGGTGGTGCAATTGGTCTAATCTTCGCCTTTGCCA[A>G]CGCTGTTGCAGTTGCTATGTATGTGGTTGGATTTGCAGAAACCGTGGTGGAGTTGCTTAA-3'
Protein context (NP_001037.1, residues 366-386): GAIGLIFAFA[Asn376Ser]AVAVAMYVVG

ClinVar aggregate classification (germline): Uncertain significance. Review status: criteria provided, multiple submitters, no conflicts (2 of 4 stars). 2 submissions from 2 submitters: Uncertain significance (2). Last evaluated 2025-12-19.

Conditions:
Kilquist syndrome (KILQS). Also called: SLC12A2-related autosomal recessive neonatal-developmental delay-intellectual disability-feeding difficulty-sensorineural deafness syndrome. Identifiers: Orphanet 633021, MedGen C5436756, MONDO:0033664, OMIM 619080.
Hearing loss, autosomal dominant 78. Also called: DEAFNESS, AUTOSOMAL DOMINANT 78. Identifiers: MedGen C5436768, MONDO:0033665, OMIM 619081.
Delpire-McNeill syndrome. Also called: SLC12A2-related autosomal dominant infantile-developmental delay-intellectual disability-sensorineural deafness syndrome. Identifiers: Orphanet 633024, MedGen C5436771, MONDO:0033667, OMIM 619083.

Allele frequency attached by ClinVar (database versions not stated): TOPMed below 0.00001; ExAC 0.00001; gnomAD 0.00001; gnomAD exomes below 0.00001 and 0.00001; 1000 Genomes Project 30x 0.00016; 1000 Genomes Project 0.00020.
gnomAD v4.1: 11 of 1,614,134 alleles (0.00068%); highest among the groups gnomAD compares: African/African-American, 0.0013%; no homozygotes.

Submissions (2):

Labcorp Genetics (formerly Invitae), Labcorp
Classification: Uncertain significance. Last evaluated: 2025-12-19. Review status: criteria provided, single submitter. Criteria: Invitae Variant Classification Sherloc (09022015). Collection method: clinical testing. Allele origin: germline.
Comment: This sequence change replaces asparagine, which is neutral and polar, with serine, which is neutral and polar, at codon 376 of the SLC12A2 protein (p.Asn376Ser). This variant is present in population databases (rs116621105, gnomAD 0.007%). This variant has not been reported in the literature in individuals affected with SLC12A2-related conditions. ClinVar contains an entry for this variant (Variation ID: 1476334). Invitae Evidence Modeling of protein sequence and biophysical properties (such as structural, functional, and spatial information, amino acid conservation, physicochemical variation, residue mobility, and thermodynamic stability) has been performed for this missense variant. However, the output from this modeling did not meet the statistical confidence thresholds required to predict the impact of this variant on SLC12A2 protein function. This variant disrupts the p.Asn376 amino acid residue in SLC12A2. Other variant(s) that disrupt this residue have been determined to be pathogenic (PMID: 32658972). This suggests that this residue is clinically significant, and that variants that disrupt this residue are likely to be disease-causing. In summary, the available evidence is currently insufficient to determine the role of this variant in disease. Therefore, it has been classified as a Variant of Uncertain Significance.

Fulgent Genetics
Classification: Uncertain significance for Kilquist syndrome; Hearing loss, autosomal dominant 78; Delpire-McNeill syndrome. Last evaluated: 2021-08-04. Review status: criteria provided, single submitter. Criteria: ACMG Guidelines, 2015. Collection method: clinical testing. Allele origin: unknown.

Literature cited by the submitters: PubMed 32658972 (cited by Labcorp Genetics (formerly Invitae), Labcorp).